The following is an entry in ClinVar:

NM_000455.5(STK11):c.1028A>G (p.Asp343Gly)

Genes: STK11 (serine/threonine kinase 11; plus strand), LOC130062899 (ATAC-STARR-seq lymphoblastoid active region 13597; plus strand). Cytogenetic location: 19p13.3.
Variant type: single nucleotide variant.
Coding change: c.1028A>G on transcript NM_000455.5 (MANE Select); coding-DNA position 1028, A replaced by G.
Protein change: p.Asp343Gly; replaces aspartic acid 343 with glycine.
Molecular consequence: missense variant. On other transcripts: non-coding transcript variant (1).
Genome position (GRCh38, 1-based): chr19:1,223,092, A>G. VCF-style: chr19-1223092-A-G. GRCh37 (hg19) VCF-style: chr19-1223091-A-G.
Other names: c.1028A>G, p.Asp343Gly (NM_001407255.1); short protein forms D343G.
Identifiers: ClinVar variation 3072086 (VCV003072086.1), dbSNP rs2145431072, ClinGen allele CA402951756.

ClinVar aggregate classification (germline): Uncertain significance (1 of 4 stars; one submission).

Conditions:
Peutz-Jeghers syndrome (PJS). Also called: POLYPOSIS, HAMARTOMATOUS INTESTINAL; POLYPS-AND-SPOTS SYNDROME; Peutz-Jeghers polyposis; Periorificial lentiginosis syndrome. Identifiers: Orphanet 2869, MedGen C0031269, MeSH D010580, MONDO:0008280, OMIM 175200.

Submission:

All of Us Research Program, National Institutes of Health
Classification: Uncertain significance for Peutz-Jeghers syndrome. Last evaluated: 2023-06-28. Review status: criteria provided, single submitter. Criteria: ACMG Guidelines, 2015. Collection method: clinical testing. Allele origin: germline. Inheritance: Autosomal dominant inheritance. Observed: 1 variant allele, 1 heterozygote.
Comment: This study involves interpretation of variants in research participants for the purpose of population health screening. Participant phenotype was not available at the time of variant classification. Additional details can be found in publication PMID: 35346344, PMCID: PMC8962531